The following is an entry in ClinVar:

NM_002941.4(ROBO1):c.1073G>A (p.Arg358His)

Gene: ROBO1 (roundabout guidance receptor 1; minus strand). Cytogenetic location: 3p12.3.
Variant type: single nucleotide variant.
Coding change: c.1073G>A on transcript NM_002941.4 (MANE Select); coding-DNA position 1073, G replaced by A.
Protein change: p.Arg358His; replaces arginine 358 with histidine.
Molecular consequence: missense variant.
Genome position (GRCh38, 1-based): chr3:78,688,745, C>T on the plus strand (G>A on the coding strand, the complement: ROBO1 is on the minus strand). VCF-style: chr3-78688745-C-T. GRCh37 (hg19) VCF-style: chr3-78737895-C-T.
Other names: c.965G>A, p.Arg322His (NM_001145844.1, NM_001145845.2, NM_133631.4); short protein forms R322H, R358H.
Identifiers: ClinVar variation 2631840 (VCV002631840.3), dbSNP rs377297596, ClinGen allele CA2499054.

ClinVar aggregate classification (germline): Conflicting classifications of pathogenicity. Review status: criteria provided, conflicting classifications (1 of 4 stars). 3 submissions from 3 submitters: Uncertain significance (1); Likely benign (1). 1 of the submissions does not count toward it. Last evaluated 2025-11-26.

Conditions:
Inborn genetic diseases. Identifiers: MedGen C0950123, MeSH D030342.
ROBO1-related disorder. Also called: ROBO1-related condition.
Neurooculorenal syndrome (NORS). Identifiers: MedGen C5830377, MONDO:0957210, OMIM 620305.
Nystagmus, congenital, autosomal recessive. Identifiers: MedGen C3151571, MONDO:0009762, OMIM 257400.

Allele frequency attached by ClinVar (database versions not stated): gnomAD exomes 0.00008; gnomAD 0.00009; TOPMed 0.00009; ESP Exome Variant Server 0.00008; ExAC 0.00014.
gnomAD v4.1: 124 of 1,608,770 alleles (0.0077%); highest among the groups gnomAD compares: Middle Eastern, 0.033%; no homozygotes.

Submissions (3):

Ambry Genetics
Classification: Uncertain significance for Inborn genetic diseases. Last evaluated: 2025-11-26. Review status: criteria provided, single submitter. Criteria: Ambry Variant Classification Scheme 2023. Collection method: clinical testing. Allele origin: germline.

3billion
Classification: Likely benign for Nystagmus, congenital, autosomal recessive; Neurooculorenal syndrome. Last evaluated: 2024-09-20. Review status: criteria provided, single submitter. Criteria: ACMG Guidelines, 2015. Collection method: clinical testing. Allele origin: germline. Affected: no.
Comment: The homozygous variant was found in patients diagnosed with another variant in a different gene, with no symptoms related to the gene containing the homozygous variant.

PreventionGenetics, part of Exact Sciences
Classification: Uncertain significance for ROBO1-related condition. Last evaluated: 2024-03-28. Review status: no assertion criteria provided. Collection method: clinical testing. Allele origin: germline. Not counted in ClinVar's aggregate classification.
Comment: The ROBO1 c.1073G>A variant is predicted to result in the amino acid substitution p.Arg358His. To our knowledge, this variant has not been reported in the literature. This variant is reported in 0.017% of alleles in individuals of African descent in gnomAD. At this time, the clinical significance of this variant is uncertain due to the absence of conclusive functional and genetic evidence.